The following is an entry in ClinVar:

NM_004415.4(DSP):c.472G>C (p.Val158Leu)

Gene: DSP (desmoplakin; plus strand). Cytogenetic location: 6p24.3.
Variant type: single nucleotide variant.
Coding change: c.472G>C on transcript NM_004415.4 (MANE Select); coding-DNA position 472, G replaced by C.
Protein change: p.Val158Leu; replaces valine 158 with leucine.
Molecular consequence: missense variant.
Genome position (GRCh38, 1-based): chr6:7,559,275, G>C. VCF-style: chr6-7559275-G-C. GRCh37 (hg19) VCF-style: chr6-7559508-G-C.
Other names: c.472G>C, p.Val158Leu (NM_001008844.3, NM_001319034.2, NM_001406591.1); short protein forms V158L.
Identifiers: ClinVar variation 4756858 (VCV004756858.1).
Genomic context (GRCh38, chr6:7,559,275, plus strand): 5'-TTTCTTTGCAGGCTTCTTCAGCTCCAAGAGCAAATGCGAGCCCTTTATAAAGCCATCAGT[G>C]TCCCTCGAGTCCGCAGGGCCAGCTCCAAGGGTGGTGGAGGCTACACTTGTCAGAGTGGCT-3'
Protein context (NP_004406.2, residues 148-168): QMRALYKAIS[Val158Leu]PRVRRASSKG

ClinVar aggregate classification (germline): Uncertain significance (1 of 4 stars; one submission).

Conditions:
Cardiomyopathy (CMYO). Also called: Cardiomyopathies. Identifiers: Orphanet 167848, MedGen C0878544, MONDO:0004994, HP:0001638. Inheritance: Various modes of inheritance.

Submission:

Color Diagnostics, LLC DBA Color Health
Classification: Uncertain significance for Cardiomyopathy. Last evaluated: 2025-06-09. Review status: criteria provided, single submitter. Criteria: ACMG Guidelines, 2015. Collection method: clinical testing. Allele origin: germline.
Comment: This missense variant replaces valine with leucine at codon 158 of the DSP protein. Computational prediction suggests that this variant may not impact protein structure and function. To our knowledge, functional studies have not been reported for this variant. This variant has not been reported in individuals affected with DSP-related disorders in the literature. This variant has not been identified in the general population by the Genome Aggregation Database (gnomAD). The available evidence is insufficient to determine the role of this variant in disease conclusively. Therefore, this variant is classified as a Variant of Uncertain Significance.